The following is an entry in ClinVar:

ClinVar aggregate classification (germline): Likely benign (1 of 4 stars; one submission).

Allele frequency attached by ClinVar (database versions not stated): gnomAD 0.01975 and 0.02117; TOPMed 0.02384; 1000 Genomes Project 30x 0.03998; 1000 Genomes Project 0.04233.
gnomAD v4.1: 3,305 of 152,288 alleles (2.2%); highest among the groups gnomAD compares: East Asian, 8.3%; 69 homozygotes.

Submission:

GeneDx
Classification: Likely benign. Last evaluated: 2018-06-14. Review status: criteria provided, single submitter. Criteria: GeneDx Variant Classification (06012015). Collection method: clinical testing. Allele origin: germline. Affected: yes.
Comment: This variant is considered likely benign or benign based on one or more of the following criteria: it is a conservative change, it occurs at a poorly conserved position in the protein, it is predicted to be benign by multiple in silico algorithms, and/or has population frequency not consistent with disease.

NM_000138.5(FBN1):c.6164-298G>A

Gene: FBN1 (fibrillin 1; minus strand). Cytogenetic location: 15q21.1.
Variant type: single nucleotide variant.
Coding change: c.6164-298G>A on transcript NM_000138.5 (MANE Select); 298 bases into the intron before coding-DNA position 6164, G replaced by A.
Molecular consequence: intron variant.
Genome position (GRCh38, 1-based): chr15:48,438,215, C>T on the plus strand (G>A on the coding strand, the complement: FBN1 is on the minus strand). VCF-style: chr15-48438215-C-T. GRCh37 (hg19) VCF-style: chr15-48730412-C-T.
Identifiers: ClinVar variation 668567 (VCV000668567.1), dbSNP rs75690169, ClinGen allele CA14170154.